The following is an entry in ClinVar:

NM_004168.4(SDHA):c.457-13T>C

Gene: SDHA (succinate dehydrogenase complex flavoprotein subunit A; plus strand). Cytogenetic location: 5p15.33.
Variant type: single nucleotide variant.
Coding change: c.457-13T>C on transcript NM_004168.4 (MANE Select); 13 bases into the intron before coding-DNA position 457, T replaced by C.
Molecular consequence: intron variant.
Genome position (GRCh38, 1-based): chr5:225,870, T>C. VCF-style: chr5-225870-T-C. GRCh37 (hg19) VCF-style: chr5-225985-T-C.
Other names: c.457-13T>C (NM_001330758.2); c.313-13T>C (NM_001294332.2).
Identifiers: ClinVar variation 3904415 (VCV003904415.1).

ClinVar aggregate classification (germline): Likely benign (1 of 4 stars; one submission).

Conditions:
Pheochromocytoma/paraganglioma syndrome 5. Also called: Paragangliomas 5; SDHA-Related Hereditary Paraganglioma-Pheochromocytoma Syndrome. Identifiers: Orphanet 29072, MedGen C3279992, MONDO:0013602, OMIM 614165.

Submission:

Myriad Genetics, Inc.
Classification: Likely benign for Pheochromocytoma/paraganglioma syndrome 5. Last evaluated: 2025-02-28. Review status: criteria provided, single submitter. Criteria: Myriad Autosomal Dominant, Autosomal Recessive and X-Linked Classification Criteria (2023). Collection method: clinical testing. Allele origin: unknown.
Comment: This variant is considered likely benign. This variant is intronic and is not expected to impact mRNA splicing.